The following is an entry in ClinVar:

NM_145207.3(AFG2A):c.556C>T (p.Arg186Ter)

Gene: AFG2A (AAA ATPase AFG2A; plus strand). Cytogenetic location: 4q28.1.
Variant type: single nucleotide variant.
Coding change: c.556C>T on transcript NM_145207.3 (MANE Select); coding-DNA position 556, C replaced by T.
Protein change: p.Arg186Ter; replaces arginine 186 with a stop codon.
Molecular consequence: nonsense.
Genome position (GRCh38, 1-based): chr4:122,934,147, C>T. VCF-style: chr4-122934147-C-T. GRCh37 (hg19) VCF-style: chr4-123855302-C-T.
Other names: c.553C>T, p.Arg185Ter (NM_001317799.2, NM_001345856.2); short protein forms R186*, R185*.
Identifiers: ClinVar variation 204306 (VCV000204306.10), dbSNP rs796052095, ClinGen allele CA208284.

ClinVar aggregate classification (germline): Pathogenic. Review status: criteria provided, single submitter (1 of 4 stars). 2 submissions from 2 submitters: Pathogenic (1). 1 of the submissions does not count toward it. Last evaluated 2024-08-31.

Conditions:
Microcephaly-intellectual disability-sensorineural hearing loss-epilepsy-abnormal muscle tone syndrome (NEDHSB). Also called: NEURODEVELOPMENTAL DISORDER WITH HEARING LOSS, SEIZURES, AND BRAIN ABNORMALITIES. Identifiers: Orphanet 457351, MedGen C4225276, MONDO:0014698, OMIM 616577.

Allele frequency attached by ClinVar (database versions not stated): gnomAD 0.00001; gnomAD exomes 0.00001; TOPMed 0.00002.
gnomAD v4.1: 15 of 1,613,662 alleles (0.00093%); highest among the groups gnomAD compares: Admixed American, 0.0017%; no homozygotes.

Submissions (2):

Labcorp Genetics (formerly Invitae), Labcorp
Classification: Pathogenic for Microcephaly-intellectual disability-sensorineural hearing loss-epilepsy-abnormal muscle tone syndrome. Last evaluated: 2024-08-31. Review status: criteria provided, single submitter. Criteria: Invitae Variant Classification Sherloc (09022015). Collection method: clinical testing. Allele origin: germline.
Comment: This sequence change creates a premature translational stop signal (p.Arg186*) in the SPATA5 gene. It is expected to result in an absent or disrupted protein product. Loss-of-function variants in SPATA5 are known to be pathogenic (PMID: 26299366). This variant is present in population databases (rs796052095, gnomAD 0.003%). This premature translational stop signal has been observed in individuals with syndromic epilepsy (PMID: 26299366). ClinVar contains an entry for this variant (Variation ID: 204306). For these reasons, this variant has been classified as Pathogenic.

OMIM
Classification: Pathogenic for NEURODEVELOPMENTAL DISORDER WITH HEARING LOSS, SEIZURES, AND BRAIN ABNORMALITIES. Last evaluated: 2015-09-03. Review status: no assertion criteria provided. Collection method: literature only. Allele origin: germline. Not counted in ClinVar's aggregate classification.

Literature cited by the submitters: PubMed 26299366 (cited by Labcorp Genetics (formerly Invitae), Labcorp and OMIM).